The following is an entry in ClinVar:

NM_014159.7(SETD2):c.6837dup (p.Val2280fs)

Gene: SETD2 (SET domain containing 2, histone lysine methyltransferase; minus strand). Cytogenetic location: 3p21.31.
Variant type: Duplication.
Coding change: c.6837dup on transcript NM_014159.7 (MANE Select); coding-DNA position 6837, one base duplicated (T; older notation c.6837dupT).
Protein change: p.Val2280fs; shifts the reading frame from valine 2280.
Molecular consequence: frameshift variant. On other transcripts: non-coding transcript variant (1).
Genome position (GRCh38, 1-based): chr3:47,056,947, A duplicated on the plus strand (T on the coding strand, the reverse complement: SETD2 is on the minus strand). VCF-style (leftmost placement, unchanged base first): chr3-47056946-C-CA. GRCh37 (hg19) VCF-style: chr3-47098436-C-CA.
Other names: c.6705dup, p.Val2236fs (NM_001349370.3); short protein forms V2236fs, V2280fs.
Identifiers: ClinVar variation 4530255 (VCV004530255.1).

ClinVar aggregate classification (somatic clinical impact): Tier II - Potential (1 of 4 stars; one submission).

Conditions:
Pilocytic astrocytoma. Also called: Pilocytic astrocytoma, somatic. Identifiers: Orphanet 251612, MedGen C0334583, MONDO:0016691, HP:0033680.

Submission:

Institute for Genomic Medicine (IGM) Clinical Laboratory, Nationwide Children's Hospital
Classification: Tier II - Potential for Pilocytic astrocytoma. Assertion type: diagnostic. Clinical significance: supports diagnosis. Last evaluated: 2022-11-29. Review status: criteria provided, single submitter. Criteria: AMP/ASCO/CAP Guidelines, 2017. Collection method: clinical testing. Allele origin: somatic. Affected: yes.
Comment: Variant has Tier II (potential) clinical significance as a diagnostic inclusion criterion in pilocytic astrocytoma, based on the following evidence: 1) Documented in one or more cancer databases (e.g., St. Jude Pecan, COSMIC, CIViC, OncoKB). 2) Information in the literature supports potential biologic effect of variant (PMIDs: 23417712, 28064387). 3) Assists in diagnosis alone or along with other biomarkers based on small studies or few case reports (Evidence Level D; PMID: 30419952).

Literature cited by the submitters: PubMed 23417712; PubMed 28064387; PubMed 30419952.